The following is an entry in ClinVar:

NM_005222.4(DLX6):c.96_122del (p.Gln36_Gln44del)

Genes: DLX6 (distal-less homeobox 6; plus strand), DLX6-AS1 (DLX6 antisense RNA 1; minus strand). Cytogenetic location: 7q21.3.
Variant type: Deletion.
Coding change: c.96_122del on transcript NM_005222.4 (MANE Select); coding-DNA positions 96 to 122, 27 bases deleted (GCAACAGCAGCAGCAGCAGCAGCAGCA).
Protein change: p.Gln36_Gln44del.
Genome position (GRCh38, 1-based): chr7:97,006,073-97,006,099, GCAACAGCAGCAGCAGCAGCAGCAGCA deleted; deleting any 27 consecutive bases within chr7:97,006,052-97,006,099 gives the same sequence; the c. name uses the placement nearest the transcript's 3' end. VCF-style (leftmost placement, unchanged base first): chr7-97006051-GGCAGCAGCAGCAGCAGCAGCAGCAACA-G. GRCh37 (hg19) VCF-style: chr7-96635363-GGCAGCAGCAGCAGCAGCAGCAGCAACA-G.
Identifiers: ClinVar variation 4803361 (VCV004803361.1).

ClinVar aggregate classification (germline): Uncertain significance (1 of 4 stars; one submission).

Submission:

Labcorp Genetics (formerly Invitae), Labcorp
Classification: Uncertain significance. Last evaluated: 2025-04-22. Review status: criteria provided, single submitter. Criteria: Invitae Variant Classification Sherloc (09022015). Collection method: clinical testing. Allele origin: germline.
Comment: This variant, c.96_122del, results in the deletion of 9 amino acid(s) of the DLX6 protein (p.Gln36_Gln44del), but otherwise preserves the integrity of the reading frame. This variant is not present in population databases (gnomAD no frequency). This variant has not been reported in the literature in individuals affected with DLX6-related conditions. Experimental studies and prediction algorithms are not available or were not evaluated, and the functional significance of this variant is currently unknown. In summary, the available evidence is currently insufficient to determine the role of this variant in disease. Therefore, it has been classified as a Variant of Uncertain Significance.